The following is an entry in ClinVar:

ClinVar aggregate classification (germline): Uncertain significance (1 of 4 stars; one submission).

Conditions:
Hereditary breast ovarian cancer syndrome. Also called: Hereditary breast and ovarian cancer syndrome (HBOC); BRCA1- and BRCA2-Associated Hereditary Breast and Ovarian Cancer; Hereditary breast and ovarian cancer syndrome; Breast and ovarian cancer; Hereditary breast and ovarian cancer; Hereditary breast and/or ovarian cancer syndrome. Identifiers: Orphanet 145, MedGen C0677776, MeSH D061325, MONDO:0003582. Disease mechanism: loss of function.

Submission:

Labcorp Genetics (formerly Invitae), Labcorp
Classification: Uncertain significance for Hereditary breast ovarian cancer syndrome. Last evaluated: 2017-11-19. Review status: criteria provided, single submitter. Criteria: Invitae Variant Classification Sherloc (09022015). Collection method: clinical testing. Allele origin: germline.
Comment: In summary, the available evidence is currently insufficient to determine the role of this variant in disease. Therefore, it has been classified as a Variant of Uncertain Significance. Experimental studies and prediction algorithms are not available for this variant, and the functional significance of the deleted amino acid is currently unknown. This variant has not been reported in the literature in individuals with BRCA1-related disease. This variant is not present in population databases (ExAC no frequency). This variant, c.2211_2213delAGT, results in the deletion of 1 amino acid of the BRCA1 protein (p.Val738del), but otherwise preserves the integrity of the reading frame.

NM_007294.4(BRCA1):c.2211_2213del (p.Val738del)

Gene: BRCA1 (BRCA1 DNA repair associated; minus strand). Cytogenetic location: 17q21.31.
Variant type: Deletion.
Coding change: c.2211_2213del on transcript NM_007294.4 (MANE Select); coding-DNA positions 2211 to 2213, 3 bases deleted (AGT; older notation c.2211_2213delAGT).
Protein change: p.Val738del; deletes valine 738.
Molecular consequence: inframe deletion. On other transcripts: intron variant (137).
Genome position (GRCh38, 1-based): chr17:43,093,318-43,093,320, ACT deleted on the plus strand (AGT on the coding strand, the reverse complement: BRCA1 is on the minus strand). VCF-style (leftmost placement, unchanged base first): chr17-43093317-AACT-A. GRCh37 (hg19) VCF-style: chr17-41245334-AACT-A.
Other names: c.1947_1949del, p.Val650del (NM_001407923.1, NM_001407924.1, NM_001407926.1 and 9 more transcripts); c.2133_2135del, p.Val712del (NM_001407653.1, NM_001407654.1, NM_001407655.1 and 4 more transcripts); c.2130_2132del, p.Val711del (NM_001407660.1, NM_001407659.1, NM_001407661.1 and 1 more transcripts); c.1944_1946del, p.Val649del (NM_001407930.1, NM_001407931.1, NM_001407932.1 and 2 more transcripts); c.2070_2072del, p.Val691del (NM_001407739.1, NM_001407750.1, NM_001407751.1 and 29 more transcripts); c.2067_2069del, p.Val690del (NM_001407740.1, NM_001407741.1, NM_001407742.1 and 20 more transcripts); c.1998_2000del, p.Val667del (NM_001407571.1, NM_001407853.1, NM_001407894.1 and 9 more transcripts); c.2211_2213del, p.Val738del (NM_001407581.1, NM_001407582.1, NM_001407583.1 and 30 more transcripts); and 41 more; short protein forms V738del, V691del, V649del, V667del, V712del, V570del, V610del, V650del.
Identifiers: ClinVar variation 531344 (VCV000531344.10), dbSNP rs1555590179, ClinGen allele CA658798868.